The following is an entry in ClinVar:

ClinVar aggregate classification (germline): Uncertain significance (1 of 4 stars; one submission).

Submission:

GeneDx
Classification: Uncertain significance. Last evaluated: 2026-01-17. Review status: criteria provided, single submitter. Criteria: GeneDx Variant Classification Process June 2021. Collection method: clinical testing. Allele origin: germline.
Comment: Not observed at significant frequency in large population cohorts (gnomAD); In silico analysis supports that this missense variant has a deleterious effect on protein structure/function; Has not been previously published as pathogenic or benign to our knowledge

NM_001085458.2(CTNND1):c.2591C>T (p.Ser864Leu)

Genes: CTNND1 (catenin delta 1; plus strand), TMX2-CTNND1 (TMX2-CTNND1 readthrough (NMD candidate); plus strand). Cytogenetic location: 11q12.1.
Variant type: single nucleotide variant.
Coding change: c.2591C>T on transcript NM_001085458.2 (MANE Select); coding-DNA position 2591, C replaced by T.
Protein change: p.Ser864Leu; replaces serine 864 with leucine.
Molecular consequence: missense variant. On other transcripts: non-coding transcript variant (1).
Genome position (GRCh38, 1-based): chr11:57,811,439, C>T. VCF-style: chr11-57811439-C-T. GRCh37 (hg19) VCF-style: chr11-57578911-C-T.
Other names: c.2573C>T, p.Ser858Leu (NM_001085459.2, NM_001085460.2, NM_001085461.2 and 2 more transcripts); c.2288C>T, p.Ser763Leu (NM_001085463.2, NM_001085466.2); c.2270C>T, p.Ser757Leu (NM_001085464.2, NM_001085465.2, NM_001085467.2 and 3 more transcripts); c.2429C>T, p.Ser810Leu (NM_001206883.2, NM_001206884.2); c.2591C>T, p.Ser864Leu (NM_001206885.2); c.2411C>T, p.Ser804Leu (NM_001206886.2, NM_001206887.2, NM_001206888.2 and 2 more transcripts); short protein forms S757L, S763L, S804L, S810L, S858L, S864L.
Identifiers: ClinVar variation 3361394 (VCV003361394.2).
Genomic context (GRCh38, chr11:57,811,439, plus strand): 5'-GCATTTGTGTTTGCCTCTAGGTGAATCTAAACAATGCTTCCCGAAGCCAGAGCAGTCATT[C>T]ATATGATGATAGTACTCTCCCTCTCATTGACCGGAACCAAAAATCAGGTGCAGTATCCAG-3'
Protein context (NP_001078927.1, residues 854-874): NNASRSQSSH[Ser864Leu]YDDSTLPLID